The following is an entry in ClinVar:

ClinVar aggregate classification (germline): Uncertain significance. Review status: criteria provided, multiple submitters, no conflicts (2 of 4 stars). 3 submissions from 3 submitters: Uncertain significance (3). Last evaluated 2024-05-03.

Conditions:
Nephronophthisis 18 (NPHP18). Identifiers: Orphanet 655, MedGen C3890591, MONDO:0014374, OMIM 615862.

Allele frequency attached by ClinVar (database versions not stated): gnomAD 0.00003 and 0.00004; gnomAD exomes 0.00003 and 0.00004; TOPMed 0.00003; ExAC 0.00006; ESP Exome Variant Server 0.00008.
gnomAD v4.1: 51 of 1,612,494 alleles (0.0032%); highest among the groups gnomAD compares: South Asian, 0.0066%; no homozygotes.

Submissions (3):

Blueprint Genetics
Classification: Uncertain significance. Last evaluated: 2024-05-03. Review status: criteria provided, single submitter. Criteria: ACMG Guidelines, 2015. Collection method: clinical testing. Allele origin: germline.

GeneDx
Classification: Uncertain significance. Last evaluated: 2024-04-30. Review status: criteria provided, single submitter. Criteria: GeneDx Variant Classification Process June 2021. Collection method: clinical testing. Allele origin: germline. Affected: yes.
Comment: In silico analysis supports that this missense variant has a deleterious effect on protein structure/function; Has not been previously published as pathogenic or benign to our knowledge

Labcorp Genetics (formerly Invitae), Labcorp
Classification: Uncertain significance for Nephronophthisis 18. Last evaluated: 2022-10-18. Review status: criteria provided, single submitter. Criteria: Invitae Variant Classification Sherloc (09022015). Collection method: clinical testing. Allele origin: germline.
Comment: This sequence change replaces arginine, which is basic and polar, with cysteine, which is neutral and slightly polar, at codon 545 of the CEP83 protein (p.Arg545Cys). This variant is present in population databases (rs374773620, gnomAD 0.008%). This variant has not been reported in the literature in individuals affected with CEP83-related conditions. ClinVar contains an entry for this variant (Variation ID: 1035548). Advanced modeling of protein sequence and biophysical properties (such as structural, functional, and spatial information, amino acid conservation, physicochemical variation, residue mobility, and thermodynamic stability) performed at Invitae indicates that this missense variant is not expected to disrupt CEP83 protein function. In summary, the available evidence is currently insufficient to determine the role of this variant in disease. Therefore, it has been classified as a Variant of Uncertain Significance.

NM_016122.3(CEP83):c.1633C>T (p.Arg545Cys)

Gene: CEP83 (centrosomal protein 83; minus strand). Cytogenetic location: 12q22.
Variant type: single nucleotide variant.
Coding change: c.1633C>T on transcript NM_016122.3 (MANE Select); coding-DNA position 1633, C replaced by T.
Protein change: p.Arg545Cys; replaces arginine 545 with cysteine.
Molecular consequence: missense variant. On other transcripts: non-coding transcript variant (2).
Genome position (GRCh38, 1-based): chr12:94,331,774, G>A on the plus strand (C>T on the coding strand, the complement: CEP83 is on the minus strand). VCF-style: chr12-94331774-G-A. GRCh37 (hg19) VCF-style: chr12-94725550-G-A.
Other names: c.1633C>T (NM_016122.2); c.1633C>T, p.Arg545Cys (NM_001042399.2, NM_001346457.2, NM_001368037.1 and 1 more transcripts); c.1321C>T, p.Arg441Cys (NM_001346458.2, NM_001346459.2, NM_001368039.1 and 1 more transcripts); c.1408C>T, p.Arg470Cys (NM_001368041.1); short protein forms R545C, R441C, R470C.
Identifiers: ClinVar variation 1035548 (VCV001035548.4), dbSNP rs374773620, ClinGen allele CA6721597.